The following is an entry in ClinVar:

ClinVar aggregate classification (germline): Uncertain significance (1 of 4 stars; one submission).

Conditions:
Glycogen storage disease due to muscle beta-enolase deficiency (GSD13). Also called: Glycogen Storage Disease Type XIII; ENOLASE 3 DEFICIENCY; ENOLASE-BETA DEFICIENCY; GSD XIII. Identifiers: Orphanet 99849, MedGen C2752027, MONDO:0013046, OMIM 612932.

Allele frequency attached by ClinVar (database versions not stated): ExAC 0.00018; 1000 Genomes Project 30x 0.00031; gnomAD 0.00034; 1000 Genomes Project 0.00040; TOPMed 0.00043; ESP Exome Variant Server 0.00069.
gnomAD v4.1: 105 of 1,614,208 alleles (0.0065%); highest among the groups gnomAD compares: African/African-American, 0.11%; no homozygotes.

Submission:

Labcorp Genetics (formerly Invitae), Labcorp
Classification: Uncertain significance for Glycogen storage disease due to muscle beta-enolase deficiency. Last evaluated: 2022-08-13. Review status: criteria provided, single submitter. Criteria: Invitae Variant Classification Sherloc (09022015). Collection method: clinical testing. Allele origin: germline.
Comment: This sequence change replaces asparagine, which is neutral and polar, with serine, which is neutral and polar, at codon 70 of the ENO3 protein (p.Asn70Ser). This variant is present in population databases (rs146408284, gnomAD 0.1%). This variant has not been reported in the literature in individuals affected with ENO3-related conditions. Algorithms developed to predict the effect of missense changes on protein structure and function are either unavailable or do not agree on the potential impact of this missense change (SIFT: "Deleterious"; PolyPhen-2: "Benign"; Align-GVGD: "Class C0"). In summary, the available evidence is currently insufficient to determine the role of this variant in disease. Therefore, it has been classified as a Variant of Uncertain Significance.

NM_053013.4(ENO3):c.209A>G (p.Asn70Ser)

Gene: ENO3 (enolase 3; plus strand). Cytogenetic location: 17p13.2.
Variant type: single nucleotide variant.
Coding change: c.209A>G on transcript NM_053013.4 (MANE Select); coding-DNA position 209, A replaced by G.
Protein change: p.Asn70Ser; replaces asparagine 70 with serine.
Molecular consequence: missense variant. On other transcripts: intron variant (1).
Genome position (GRCh38, 1-based): chr17:4,953,078, A>G. VCF-style: chr17-4953078-A-G. GRCh37 (hg19) VCF-style: chr17-4856373-A-G.
Other names: c.209A>G, p.Asn70Ser (NM_001374523.1, NM_001976.5); c.236A>G, p.Asn79Ser (NM_001374524.1); c.181+188A>G (NM_001193503.2); short protein forms N70S, N79S.
Identifiers: ClinVar variation 2060759 (VCV002060759.1), dbSNP rs146408284, ClinGen allele CA8316198.